The following is an entry in ClinVar:

ClinVar aggregate classification (germline): Uncertain significance (1 of 4 stars; one submission).

Allele frequency attached by ClinVar (database versions not stated): gnomAD exomes below 0.00001; gnomAD 0.00001; TOPMed 0.00001.
gnomAD v4.1: 4 of 1,612,704 alleles (0.00025%); highest among the groups gnomAD compares: East Asian, 0.0045%; no homozygotes.

Submission:

GeneDx
Classification: Uncertain significance. Last evaluated: 2014-06-26. Review status: criteria provided, single submitter. Criteria: GeneDx Variant Classification (06012015). Collection method: clinical testing. Allele origin: germline. Affected: yes.
Comment: Missense variants in the TTN gene are considered 'unclassified' if they are not previously reported in the literature and do not have >1% frequency in the population to be considered a polymorphism. Research indicates that truncating mutations in the TTN gene are expected to account for approximately 25% of familial and 18% of sporadic idiopathic DCM; however, truncating variants in the TTN gene have been reported in approximately 3% of reported control alleles. There has been little investigation into non-truncating variants. (Herman D et al. Truncations of titin causing dilated cardiomyopathy. N Eng J Med 366:619-628, 2012) The variant is found in DCM-CRDM panel(s).

NM_001267550.2(TTN):c.47407A>G (p.Ile15803Val)

Genes: TTN (titin; minus strand), TTN-AS1 (TTN antisense RNA 1; plus strand). Cytogenetic location: 2q31.2.
Variant type: single nucleotide variant.
Coding change: c.47407A>G on transcript NM_001267550.2 (MANE Select); coding-DNA position 47407, A replaced by G.
Protein change: p.Ile15803Val; replaces isoleucine 15803 with valine.
Molecular consequence: missense variant.
Genome position (GRCh38, 1-based): chr2:178,617,944, T>C on the plus strand (A>G on the coding strand, the complement: TTN is on the minus strand). VCF-style: chr2-178617944-T-C. GRCh37 (hg19) VCF-style: chr2-179482671-T-C.
Other names: p.I14162V:ATC>GTC; c.42484A>G, p.Ile14162Val (NM_001256850.1); c.20212A>G, p.Ile6738Val (NM_003319.4); c.39703A>G, p.Ile13235Val (NM_133378.4); c.20587A>G, p.Ile6863Val (NM_133432.3); c.20788A>G, p.Ile6930Val (NM_133437.4); short protein forms I14162V, I15803V, I6738V, I13235V, I6863V, I6930V.
Identifiers: ClinVar variation 202654 (VCV000202654.2), dbSNP rs794729441, ClinGen allele CA309884.